The following is an entry in ClinVar:

NM_001145252.3(CFP):c.1309C>A (p.Pro437Thr)

Gene: CFP (complement factor properdin; minus strand). Cytogenetic location: Xp11.23.
Variant type: single nucleotide variant.
Coding change: c.1309C>A on transcript NM_001145252.3 (MANE Select); coding-DNA position 1309, C replaced by A.
Protein change: p.Pro437Thr; replaces proline 437 with threonine.
Molecular consequence: missense variant.
Genome position (GRCh38, 1-based): chrX:47,624,376, G>T on the plus strand (C>A on the coding strand, the complement: CFP is on the minus strand). VCF-style: chrX-47624376-G-T. GRCh37 (hg19) VCF-style: chrX-47483775-G-T.
Other names: c.1309C>A, p.Pro437Thr (NM_002621.2); short protein forms P437T.
Identifiers: ClinVar variation 1360965 (VCV001360965.8), dbSNP rs2147935585, ClinGen allele CA412834522.

ClinVar aggregate classification (germline): Uncertain significance (1 of 4 stars; one submission).

gnomAD v4.1: 1 of 1,209,995 alleles (0.000083%); no homozygotes.

Submission:

Labcorp Genetics (formerly Invitae), Labcorp
Classification: Uncertain significance. Last evaluated: 2022-06-13. Review status: criteria provided, single submitter. Criteria: Invitae Variant Classification Sherloc (09022015). Collection method: clinical testing. Allele origin: germline.
Comment: In summary, the available evidence is currently insufficient to determine the role of this variant in disease. Therefore, it has been classified as a Variant of Uncertain Significance. Algorithms developed to predict the effect of missense changes on protein structure and function output the following: SIFT: "Tolerated"; PolyPhen-2: "Benign"; Align-GVGD: "Class C0". The threonine amino acid residue is found in multiple mammalian species, which suggests that this missense change does not adversely affect protein function. This variant has not been reported in the literature in individuals affected with CFP-related conditions. This variant is not present in population databases (gnomAD no frequency). This sequence change replaces proline, which is neutral and non-polar, with threonine, which is neutral and polar, at codon 437 of the CFP protein (p.Pro437Thr).